The following is an entry in ClinVar:

NM_182914.3(SYNE2):c.17441A>G (p.Gln5814Arg)

Gene: SYNE2 (spectrin repeat containing nuclear envelope protein 2; plus strand). Cytogenetic location: 14q23.2.
Variant type: single nucleotide variant.
Coding change: c.17441A>G on transcript NM_182914.3 (MANE Select); coding-DNA position 17441, A replaced by G.
Protein change: p.Gln5814Arg; replaces glutamine 5814 with arginine.
Molecular consequence: missense variant.
Genome position (GRCh38, 1-based): chr14:64,177,368, A>G. VCF-style: chr14-64177368-A-G. GRCh37 (hg19) VCF-style: chr14-64644086-A-G.
Other names: c.17441A>G, p.Gln5814Arg (NM_015180.6); short protein forms Q5814R.
Identifiers: ClinVar variation 2914042 (VCV002914042.3), dbSNP rs762516787, ClinGen allele CA7223710.

ClinVar aggregate classification (germline): Uncertain significance (1 of 4 stars; one submission).

Conditions:
Emery-Dreifuss muscular dystrophy 5, autosomal dominant (EDMD5). Also called: EMERY-DREIFUSS MUSCULAR DYSTROPHY 5. Identifiers: Orphanet 261, MedGen C2751805, MONDO:0013072, OMIM 612999.

Allele frequency attached by ClinVar (database versions not stated): gnomAD exomes below 0.00001; ExAC 0.00001; gnomAD 0.00004; TOPMed 0.00006.
gnomAD v4.1: 12 of 1,614,092 alleles (0.00074%); highest among the groups gnomAD compares: African/African-American, 0.013%; no homozygotes.

Submission:

Labcorp Genetics (formerly Invitae), Labcorp
Classification: Uncertain significance for Emery-Dreifuss muscular dystrophy 5, autosomal dominant. Last evaluated: 2025-12-19. Review status: criteria provided, single submitter. Criteria: Invitae Variant Classification Sherloc (09022015). Collection method: clinical testing. Allele origin: germline.
Comment: This sequence change replaces glutamine, which is neutral and polar, with arginine, which is basic and polar, at codon 5814 of the SYNE2 protein (p.Gln5814Arg). This variant is present in population databases (rs762516787, gnomAD 0.02%). This variant has not been reported in the literature in individuals affected with SYNE2-related conditions. ClinVar contains an entry for this variant (Variation ID: 2914042). An algorithm developed to predict the effect of missense changes on protein structure and function outputs the following: PolyPhen-2: "Benign". The arginine amino acid residue is found in multiple mammalian species, which suggests that this missense change does not adversely affect protein function. In summary, the available evidence is currently insufficient to determine the role of this variant in disease. Therefore, it has been classified as a Variant of Uncertain Significance.